The following is an entry in ClinVar:

ClinVar aggregate classification (germline): Likely benign (1 of 4 stars; one submission).

Allele frequency attached by ClinVar (database versions not stated): 1000 Genomes Project 30x 0.00281; 1000 Genomes Project 0.00300; TOPMed 0.00581; ESP Exome Variant Server 0.00646.

Submission:

CeGaT Center for Human Genetics Tuebingen
Classification: Likely benign. Last evaluated: 2023-01-01. Review status: criteria provided, single submitter. Criteria: CeGaT Center For Human Genetics Tuebingen Variant Classification Criteria Version 2. Collection method: clinical testing. Allele origin: germline. Affected: yes. Observed: 1 variant allele.
Comment: OR10G3: BP4, BS2

NM_001005465.2(OR10G3):c.704G>A (p.Arg235Gln)

Gene: OR10G3 (olfactory receptor family 10 subfamily G member 3; minus strand). Cytogenetic location: 14q11.2.
Variant type: single nucleotide variant.
Coding change: c.704G>A on transcript NM_001005465.2 (MANE Select); coding-DNA position 704, G replaced by A.
Protein change: p.Arg235Gln; replaces arginine 235 with glutamine.
Molecular consequence: missense variant.
Genome position (GRCh38, 1-based): chr14:21,570,041, C>T on the plus strand (G>A on the coding strand, the complement: OR10G3 is on the minus strand). VCF-style: chr14-21570041-C-T. GRCh37 (hg19) VCF-style: chr14-22038172-C-T.
Other names: short protein forms R235Q.
Identifiers: ClinVar variation 2644070 (VCV002644070.24), dbSNP rs143884236, ClinGen allele CA7094060.